The following is an entry in ClinVar:

NM_001366145.2(TRPM3):c.4970C>T (p.Ala1657Val)

Genes: KLF9-DT (KLF9 divergent transcript; plus strand), TRPM3 (transient receptor potential cation channel subfamily M member 3; minus strand). Cytogenetic location: 9q21.12.
Variant type: single nucleotide variant.
Coding change: c.4970C>T on transcript NM_001366145.2 (MANE Select); coding-DNA position 4970, C replaced by T.
Protein change: p.Ala1657Val; replaces alanine 1657 with valine.
Molecular consequence: missense variant. On other transcripts: intron variant (8).
Genome position (GRCh38, 1-based): chr9:70,536,143, G>A on the plus strand (C>T on the coding strand, the complement: TRPM3 is on the minus strand). VCF-style: chr9-70536143-G-A. GRCh37 (hg19) VCF-style: chr9-73151059-G-A.
Other names: c.4940C>T, p.Ala1647Val (NM_001366141.2, NM_001366149.2); c.5045C>T, p.Ala1682Val (NM_001366147.2); c.4475C>T, p.Ala1492Val (NM_020952.6); c.4511C>T, p.Ala1504Val (NM_024971.7); c.4445C>T, p.Ala1482Val (NM_206944.5); c.4481C>T, p.Ala1494Val (NM_206945.5); c.4550C>T, p.Ala1517Val (NM_206946.5); c.5045C>T (NM_001366147.1); and 10 more; short protein forms A1482V, A1492V, A1494V, A1504V, A1507V, A1517V, A1645V, A1647V.
Identifiers: ClinVar variation 2659246 (VCV002659246.26), dbSNP rs148848073, ClinGen allele CA5077704.
Genomic context (GRCh38, chr9:70,536,143, plus strand): 5'-TTCCGCTGCCTGTCGAGTTTGTCACTGATGGAGAAGCTCTTCCTGGTGTGTGCATATGGC[G>A]CACTTGGCTCCTCTGCCGAGTAGCTGTTGGCGCGCTCTATCTTGGGAACAGTGATGTTGT-3'
Protein context (NP_001353074.1, residues 1647-1667): ANSYSAEEPS[Ala1657Val]PYAHTRKSFS

ClinVar aggregate classification (germline): Likely benign. Review status: criteria provided, multiple submitters, no conflicts (2 of 4 stars). 3 submissions from 3 submitters: Likely benign (2). 1 of the submissions does not count toward it. Last evaluated 2026-08-01.

Conditions:
TRPM3-related disorder. Also called: TRPM3-related condition.

Allele frequency attached by ClinVar (database versions not stated): 1000 Genomes Project 0.00040; 1000 Genomes Project 30x 0.00047; ExAC 0.00095; ESP Exome Variant Server 0.00100; gnomAD 0.00117.
gnomAD v4.1: 2,266 of 1,614,206 alleles (0.14%); highest among the groups gnomAD compares: Non-Finnish European, 0.18%; 3 homozygotes.

Submissions (3):

CeGaT Center for Human Genetics Tuebingen
Classification: Likely benign. Last evaluated: 2026-08-01. Review status: criteria provided, single submitter. Criteria: CeGaT Center For Human Genetics Tuebingen Variant Classification Criteria Version 2. Collection method: clinical testing. Allele origin: germline. Affected: yes. Observed: 2 variant alleles.
Comment: TRPM3: BP4

Blueprint Genetics
Classification: Likely benign. Last evaluated: 2024-11-05. Review status: criteria provided, single submitter. Criteria: ACMG Guidelines, 2015. Collection method: clinical testing. Allele origin: germline.

PreventionGenetics, part of Exact Sciences
Classification: Likely benign for TRPM3-related condition. Last evaluated: 2022-02-01. Review status: no assertion criteria provided. Collection method: clinical testing. Allele origin: germline. Not counted in ClinVar's aggregate classification.
Comment: This variant is classified as likely benign based on ACMG/AMP sequence variant interpretation guidelines (Richards et al. 2015 PMID: 25741868, with internal and published modifications).